The following is an entry in ClinVar:

ClinVar aggregate classification (germline): Uncertain significance (1 of 4 stars; one submission).

Allele frequency attached by ClinVar (database versions not stated): gnomAD exomes below 0.00001; TOPMed below 0.00001.
gnomAD v4.1: 1 of 1,614,072 alleles (0.000062%); highest among the groups gnomAD compares: Non-Finnish European, 0.000085%; no homozygotes.

Submission:

Labcorp Genetics (formerly Invitae), Labcorp
Classification: Uncertain significance. Last evaluated: 2023-09-18. Review status: criteria provided, single submitter. Criteria: Invitae Variant Classification Sherloc (09022015). Collection method: clinical testing. Allele origin: germline.
Comment: In summary, the available evidence is currently insufficient to determine the role of this variant in disease. Therefore, it has been classified as a Variant of Uncertain Significance. Advanced modeling of protein sequence and biophysical properties (such as structural, functional, and spatial information, amino acid conservation, physicochemical variation, residue mobility, and thermodynamic stability) performed at Invitae indicates that this missense variant is not expected to disrupt ATP13A3 protein function. This variant has not been reported in the literature in individuals affected with ATP13A3-related conditions. This variant is not present in population databases (gnomAD no frequency). This sequence change replaces valine, which is neutral and non-polar, with leucine, which is neutral and non-polar, at codon 669 of the ATP13A3 protein (p.Val669Leu).

NM_001367549.1(ATP13A3):c.2005G>C (p.Val669Leu)

Gene: ATP13A3 (ATPase 13A3; minus strand). Cytogenetic location: 3q29.
Variant type: single nucleotide variant.
Coding change: c.2005G>C on transcript NM_001367549.1 (MANE Select); coding-DNA position 2005, G replaced by C.
Protein change: p.Val669Leu; replaces valine 669 with leucine.
Molecular consequence: missense variant. On other transcripts: non-coding transcript variant (2).
Genome position (GRCh38, 1-based): chr3:194,437,210, C>G on the plus strand (G>C on the coding strand, the complement: ATP13A3 is on the minus strand). VCF-style: chr3-194437210-C-G. GRCh37 (hg19) VCF-style: chr3-194157939-C-G.
Other names: c.1924G>C, p.Val642Leu (NM_001374836.1); c.2005G>C, p.Val669Leu (NM_024524.4); short protein forms V642L, V669L.
Identifiers: ClinVar variation 2871051 (VCV002871051.3), dbSNP rs764524282, ClinGen allele CA90597725.